The following is an entry in ClinVar:

ClinVar aggregate classification (germline): Benign (1 of 4 stars; one submission).

Conditions:
Cleidocranial dysostosis (CLCD1). Also called: cleidocranial dysplasia 1; Marie-Sainton disease; Cleidocranial Dysplasia Spectrum Disorder. Identifiers: Orphanet 1452, MedGen C0008928, MONDO:0007340, OMIM 119600.

Allele frequency attached by ClinVar (database versions not stated): 1000 Genomes Project 0.00200; 1000 Genomes Project 30x 0.00203; gnomAD 0.00414 and 0.00417; TOPMed 0.00474; gnomAD exomes 0.00531.
gnomAD v4.1: 1,852 of 377,198 alleles (0.49%); highest among the groups gnomAD compares: Middle Eastern, 1.9%; 6 homozygotes.

Submission:

Illumina Laboratory Services, Illumina
Classification: Benign for Cleidocranial dysostosis. Last evaluated: 2018-01-13. Review status: criteria provided, single submitter. Criteria: ICSL Variant Classification Criteria 13 December 2019. Collection method: clinical testing. Allele origin: germline.
Comment: This variant was observed in the ICSL laboratory as part of a predisposition screen in an ostensibly healthy population. It had not been previously curated by ICSL or reported in the Human Gene Mutation Database (HGMD: prior to June 1st, 2018), and was therefore a candidate for classification through an automated scoring system. Utilizing variant allele frequency, disease prevalence and penetrance estimates, and inheritance mode, an automated score was calculated to assess if this variant is too frequent to cause the disease. Based on the score and internal cut-off values, a variant classified as benign is not then subjected to further curation. The score for this variant resulted in a classification of benign for this disease.

NM_001024630.4(RUNX2):c.*318C>T

Gene: RUNX2 (RUNX family transcription factor 2; plus strand). Cytogenetic location: 6p21.1.
Variant type: single nucleotide variant.
Coding change: c.*318C>T on transcript NM_001024630.4 (MANE Select); 318 bases downstream of the stop codon, C replaced by T.
Molecular consequence: 3 prime UTR variant.
Genome position (GRCh38, 1-based): chr6:45,547,623, C>T. VCF-style: chr6-45547623-C-T. GRCh37 (hg19) VCF-style: chr6-45515360-C-T.
Other names: c.*318C>T (NM_001015051.4, NM_001278478.2, NM_001369405.1).
Identifiers: ClinVar variation 357100 (VCV000357100.5), dbSNP rs78935067, ClinGen allele CA10627095.